The following is an entry in ClinVar:

ClinVar aggregate classification (germline): Benign/Likely benign. Review status: criteria provided, multiple submitters, no conflicts (2 of 4 stars). 4 submissions from 4 submitters: Benign (3); Likely benign (1). Last evaluated 2025-10-13.

Conditions:
Early-infantile DEE. Also called: Early infantile epileptic encephalopathy with suppression bursts; Early infantile epileptic encephalopathy; Ohtahara syndrome. Identifiers: Orphanet 1934, MedGen C0393706, MONDO:0800491.

Allele frequency attached by ClinVar (database versions not stated): ESP Exome Variant Server 0.00008; gnomAD exomes 0.00008 and 0.00038; gnomAD 0.00030 and 0.00031; TOPMed 0.00035; ExAC 0.00038; 1000 Genomes Project 30x 0.00078; 1000 Genomes Project 0.00100.

Submissions (4):

Labcorp Genetics (formerly Invitae), Labcorp
Classification: Benign for Early-infantile DEE. Last evaluated: 2025-10-13. Review status: criteria provided, single submitter. Criteria: Invitae Variant Classification Sherloc (09022015). Collection method: clinical testing. Allele origin: germline.

Blueprint Genetics
Classification: Likely benign. Last evaluated: 2024-11-26. Review status: criteria provided, single submitter. Criteria: ACMG Guidelines, 2015. Collection method: clinical testing. Allele origin: germline.

GeneDx
Classification: Benign. Last evaluated: 2013-09-18. Review status: criteria provided, single submitter. Criteria: GeneDx Variant Classification (06012015). Collection method: clinical testing. Allele origin: germline. Affected: yes.
Comment: This variant is considered likely benign or benign based on one or more of the following criteria: it is a conservative change, it occurs at a poorly conserved position in the protein, it is predicted to be benign by multiple in silico algorithms, and/or has population frequency not consistent with disease.

Breakthrough Genomics
Classification: Benign. Review status: criteria provided, single submitter. Criteria: ACMG Guidelines, 2015. Collection method: not provided. Allele origin: germline. Inheritance: Autosomal recessive inheritance. Affected: yes.

NM_001191061.2(SLC25A22):c.294-13G>A

Gene: SLC25A22 (solute carrier family 25 member 22; minus strand). Cytogenetic location: 11p15.5.
Variant type: single nucleotide variant.
Coding change: c.294-13G>A on transcript NM_001191061.2 (MANE Select); 13 bases into the intron before coding-DNA position 294, G replaced by A.
Molecular consequence: intron variant.
Genome position (GRCh38, 1-based): chr11:793,001, C>T on the plus strand (G>A on the coding strand, the complement: SLC25A22 is on the minus strand). VCF-style: chr11-793001-C-T. GRCh37 (hg19) VCF-style: chr11-793001-C-T.
Other names: c.294-13G>A (NM_001191060.2, NM_024698.6).
Identifiers: ClinVar variation 139133 (VCV000139133.12), dbSNP rs201472482, ClinGen allele CA293514.